The following is an entry in ClinVar:

NM_000334.4(SCN4A):c.2914C>T (p.Pro972Ser)

Genes: GH-LCR (growth hormone locus control region; plus strand), SCN4A (sodium voltage-gated channel alpha subunit 4; minus strand). Cytogenetic location: 17q23.3.
Variant type: single nucleotide variant.
Coding change: c.2914C>T on transcript NM_000334.4 (MANE Select); coding-DNA position 2914, C replaced by T.
Protein change: p.Pro972Ser; replaces proline 972 with serine.
Molecular consequence: missense variant.
Genome position (GRCh38, 1-based): chr17:63,949,468, G>A on the plus strand (C>T on the coding strand, the complement: SCN4A is on the minus strand). VCF-style: chr17-63949468-G-A. GRCh37 (hg19) VCF-style: chr17-62026828-G-A.
Other names: short protein forms P972S.
Identifiers: ClinVar variation 2164203 (VCV002164203.4), dbSNP rs763835761, ClinGen allele CA8709449.

ClinVar aggregate classification (germline): Uncertain significance (1 of 4 stars; one submission).

Conditions:
Hyperkalemic periodic paralysis. Also called: Familial hyperkalemic periodic paralysis; Gamstorp disease. Identifiers: Orphanet 682, MedGen C0238357, MONDO:0008224, OMIM 170500, HP:0007215.

Allele frequency attached by ClinVar (database versions not stated): ExAC 0.00001; gnomAD 0.00002; TOPMed 0.00002.
gnomAD v4.1: 8 of 1,612,016 alleles (0.0005%); highest among the groups gnomAD compares: African/African-American, 0.004%; no homozygotes.

Submission:

Labcorp Genetics (formerly Invitae), Labcorp
Classification: Uncertain significance for Hyperkalemic periodic paralysis. Last evaluated: 2024-11-25. Review status: criteria provided, single submitter. Criteria: Invitae Variant Classification Sherloc (09022015). Collection method: clinical testing. Allele origin: germline.
Comment: This sequence change replaces proline, which is neutral and non-polar, with serine, which is neutral and polar, at codon 972 of the SCN4A protein (p.Pro972Ser). The frequency data for this variant in the population databases is considered unreliable, as metrics indicate poor data quality at this position in the gnomAD database. This variant has not been reported in the literature in individuals affected with SCN4A-related conditions. ClinVar contains an entry for this variant (Variation ID: 2164203). Invitae Evidence Modeling of protein sequence and biophysical properties (such as structural, functional, and spatial information, amino acid conservation, physicochemical variation, residue mobility, and thermodynamic stability) indicates that this missense variant is not expected to disrupt SCN4A protein function with a negative predictive value of 95%. In summary, the available evidence is currently insufficient to determine the role of this variant in disease. Therefore, it has been classified as a Variant of Uncertain Significance.